The following is an entry in ClinVar:

NM_000287.4(PEX6):c.284G>A (p.Arg95Gln)

Gene: PEX6 (peroxisomal biogenesis factor 6; minus strand). Cytogenetic location: 6p21.1.
Variant type: single nucleotide variant.
Coding change: c.284G>A on transcript NM_000287.4 (MANE Select); coding-DNA position 284, G replaced by A.
Protein change: p.Arg95Gln; replaces arginine 95 with glutamine.
Molecular consequence: missense variant. On other transcripts: non-coding transcript variant (1).
Genome position (GRCh38, 1-based): chr6:42,978,867, C>T on the plus strand (G>A on the coding strand, the complement: PEX6 is on the minus strand). VCF-style: chr6-42978867-C-T. GRCh37 (hg19) VCF-style: chr6-42946605-C-T.
Other names: c.284G>A, p.Arg95Gln (NM_001316313.2); short protein forms R95Q.
Identifiers: ClinVar variation 2104944 (VCV002104944.1), dbSNP rs2150240407, ClinGen allele CA364167384.

ClinVar aggregate classification (germline): Uncertain significance (1 of 4 stars; one submission).

Conditions:
Peroxisome biogenesis disorder. Identifiers: Orphanet 79189, MedGen C1832200, MONDO:0019234. Disease mechanism: loss of function.

Allele frequency attached by ClinVar (database versions not stated): gnomAD exomes below 0.00001.
gnomAD v4.1: 1 of 1,492,732 alleles (0.000067%); highest among the groups gnomAD compares: African/African-American, 0.0015%; no homozygotes.

Submission:

Labcorp Genetics (formerly Invitae), Labcorp
Classification: Uncertain significance for Peroxisome biogenesis disorder. Last evaluated: 2022-05-05. Review status: criteria provided, single submitter. Criteria: Invitae Variant Classification Sherloc (09022015). Collection method: clinical testing. Allele origin: germline.
Comment: This sequence change replaces arginine, which is basic and polar, with glutamine, which is neutral and polar, at codon 95 of the PEX6 protein (p.Arg95Gln). This variant is not present in population databases (gnomAD no frequency). This variant has not been reported in the literature in individuals affected with PEX6-related conditions. Algorithms developed to predict the effect of missense changes on protein structure and function are either unavailable or do not agree on the potential impact of this missense change (SIFT: "Tolerated"; PolyPhen-2: "Probably Damaging"; Align-GVGD: "Class C0"). In summary, the available evidence is currently insufficient to determine the role of this variant in disease. Therefore, it has been classified as a Variant of Uncertain Significance.